The following is an entry in ClinVar:

ClinVar aggregate classification (germline): Uncertain significance. Review status: criteria provided, multiple submitters, no conflicts (2 of 4 stars). 5 submissions from 5 submitters: Uncertain significance (5). Last evaluated 2026-01-28.

Conditions:
Hereditary cancer-predisposing syndrome. Also called: Neoplastic Syndromes, Hereditary; Tumor predisposition; Hereditary neoplastic syndrome; Hereditary Cancer Syndrome. Identifiers: Orphanet 140162, MedGen C0027672, MeSH D009386, MONDO:0015356.
Endometrial carcinoma. Also called: Endometrial carcinoma, somatic. Identifiers: MedGen C0476089, MONDO:0002447, OMIM 608089, HP:0012114.

Allele frequency attached by ClinVar (database versions not stated): gnomAD exomes 0.00017; ExAC 0.00021.
gnomAD v4.1: 95 of 1,612,804 alleles (0.0059%); highest among the groups gnomAD compares: South Asian, 0.099%; no homozygotes.

Submissions (5):

Labcorp Genetics (formerly Invitae), Labcorp
Classification: Uncertain significance. Last evaluated: 2026-01-28. Review status: criteria provided, single submitter. Criteria: Invitae Variant Classification Sherloc (09022015). Collection method: clinical testing. Allele origin: germline.
Comment: This sequence change replaces glycine, which is neutral and non-polar, with cysteine, which is neutral and slightly polar, at codon 940 of the MSH3 protein (p.Gly940Cys). This variant is present in population databases (rs763614470, gnomAD 0.1%). This variant has not been reported in the literature in individuals affected with MSH3-related conditions. ClinVar contains an entry for this variant (Variation ID: 663231). An algorithm developed to predict the effect of missense changes on protein structure and function (PolyPhen-2) suggests that this variant is likely to be disruptive. In summary, the available evidence is currently insufficient to determine the role of this variant in disease. Therefore, it has been classified as a Variant of Uncertain Significance.

Ambry Genetics
Classification: Uncertain significance for Hereditary cancer-predisposing syndrome. Last evaluated: 2025-10-25. Review status: criteria provided, single submitter. Criteria: Ambry Variant Classification Scheme 2023. Collection method: clinical testing. Allele origin: germline.
Comment: The p.G940C variant (also known as c.2818G>T), located in coding exon 21 of the MSH3 gene, results from a G to T substitution at nucleotide position 2818. The glycine at codon 940 is replaced by cysteine, an amino acid with highly dissimilar properties. This amino acid position is highly conserved in available vertebrate species. In addition, this alteration is predicted to be deleterious by in silico analysis. Since supporting evidence is limited at this time, the clinical significance of this alteration remains unclear.

Quest Diagnostics Nichols Institute San Juan Capistrano
Classification: Uncertain significance. Last evaluated: 2025-06-16. Review status: criteria provided, single submitter. Criteria: Quest Diagnostics criteria. Collection method: clinical testing. Allele origin: unknown.
Comment: The MSH3 c.2818G>T (p.Gly940Cys) variant has not been reported in individuals with MSH3-related conditions in the published literature. The frequency of this variant in the general population (Genome Aggregation Database) is higher than would generally be expected for pathogenic variants in this gene. Analysis of this variant using bioinformatics tools for the prediction of the effect of amino acid changes on protein structure and function yielded predictions that this variant is damaging. Based on the available information, we are unable to determine the clinical significance of this variant.

Baylor Genetics
Classification: Uncertain significance for Endometrial carcinoma. Last evaluated: 2023-09-14. Review status: criteria provided, single submitter. Criteria: ACMG Guidelines, 2015. Collection method: clinical testing. Allele origin: unknown.

GeneDx
Classification: Uncertain significance. Last evaluated: 2023-05-05. Review status: criteria provided, single submitter. Criteria: GeneDx Variant Classification Process June 2021. Collection method: clinical testing. Allele origin: germline. Affected: yes.
Comment: In silico analysis supports that this missense variant has a deleterious effect on protein structure/function; Has not been previously published as pathogenic or benign to our knowledge

NM_002439.5(MSH3):c.2818G>T (p.Gly940Cys)

Gene: MSH3 (mutS homolog 3; plus strand). Cytogenetic location: 5q14.1.
Variant type: single nucleotide variant.
Coding change: c.2818G>T on transcript NM_002439.5 (MANE Select); coding-DNA position 2818, G replaced by T.
Protein change: p.Gly940Cys; replaces glycine 940 with cysteine.
Molecular consequence: missense variant.
Genome position (GRCh38, 1-based): chr5:80,854,134, G>T. VCF-style: chr5-80854134-G-T. GRCh37 (hg19) VCF-style: chr5-80149953-G-T.
Other names: short protein forms G940C.
Identifiers: ClinVar variation 663231 (VCV000663231.13), dbSNP rs763614470, ClinGen allele CA3328379.